The following is an entry in ClinVar:

ClinVar aggregate classification (germline): Likely benign. Review status: criteria provided, single submitter (1 of 4 stars). 2 submissions from 2 submitters: Likely benign (1). 1 of the submissions does not count toward it. Last evaluated 2025-04-28.

Conditions:
Hereditary cancer-predisposing syndrome. Also called: Neoplastic Syndromes, Hereditary; Hereditary Cancer Syndrome; Tumor predisposition; Hereditary neoplastic syndrome. Identifiers: Orphanet 140162, MedGen C0027672, MeSH D009386, MONDO:0015356.
RAD50-related disorder. Also called: RAD50-related condition.

Allele frequency attached by ClinVar (database versions not stated): gnomAD exomes below 0.00001 and 0.00002; ExAC 0.00001.
gnomAD v4.1: 23 of 1,596,510 alleles (0.0014%); highest among the groups gnomAD compares: Non-Finnish European, 0.0019%; no homozygotes.

Submissions (2):

Labcorp Genetics (formerly Invitae), Labcorp
Classification: Likely benign for Hereditary cancer-predisposing syndrome. Last evaluated: 2025-04-28. Review status: criteria provided, single submitter. Criteria: Invitae Variant Classification Sherloc (09022015). Collection method: clinical testing. Allele origin: germline.

PreventionGenetics, part of Exact Sciences
Classification: Likely benign for RAD50-related condition. Last evaluated: 2021-11-17. Review status: no assertion criteria provided. Collection method: clinical testing. Allele origin: germline. Not counted in ClinVar's aggregate classification.
Comment: This variant is classified as likely benign based on ACMG/AMP sequence variant interpretation guidelines (Richards et al. 2015 PMID: 25741868, with internal and published modifications).

NM_005732.4(RAD50):c.2525-6G>A

Gene: RAD50 (RAD50 double strand break repair protein; plus strand). Cytogenetic location: 5q31.1.
Variant type: single nucleotide variant.
Coding change: c.2525-6G>A on transcript NM_005732.4 (MANE Select); 6 bases into the intron before coding-DNA position 2525, G replaced by A.
Molecular consequence: intron variant.
Genome position (GRCh38, 1-based): chr5:132,604,800, G>A. VCF-style: chr5-132604800-G-A. GRCh37 (hg19) VCF-style: chr5-131940492-G-A.
Identifiers: ClinVar variation 695427 (VCV000695427.13), dbSNP rs745693687, ClinGen allele CA3405424.